The following is an entry in ClinVar:

ClinVar aggregate classification (germline): Pathogenic/Likely pathogenic. Review status: criteria provided, multiple submitters, no conflicts (2 of 4 stars). 2 submissions from 2 submitters: Pathogenic (1); Likely pathogenic (1). Last evaluated 2022-02-02.

Conditions:
Sifrim-Hitz-Weiss syndrome (SIHIWES). Also called: CHD4 Neurodevelopmental Disorder; SIFRIM-HITZ-WEISS MULTIPLE CONGENITAL ANOMALIES-MENTAL RETARDATION SYNDROME. Identifiers: Orphanet 653712, MedGen C4310688, MONDO:0014946, OMIM 617159.

Submissions (2):

Victorian Clinical Genetics Services, Murdoch Childrens Research Institute
Classification: Pathogenic for Sifrim-Hitz-Weiss syndrome. Last evaluated: 2022-02-02. Review status: criteria provided, single submitter. Criteria: ACMG Guidelines, 2015. Collection method: clinical testing. Allele origin: germline. Inheritance: Autosomal dominant inheritance. Affected: yes.
Comment: Based on the classification scheme VCGS_Germline_v1.3.4, this variant is classified as Pathogenic. Following criteria are met: 0102 - Loss of function is a known mechanism of disease in this gene and is associated with Sifrim-Hitz-Weiss syndrome (MIM#617159). (I) 0107 - This gene is associated with autosomal dominant disease. (I) 0200 - Variant is predicted to result in a missense amino acid change from arginine to cysteine. (I) 0251 - This variant is heterozygous. (I) 0301 - Variant is absent from gnomAD (both v2 and v3). (SP) 0501 - Missense variant consistently predicted to be damaging by multiple in silico tools or highly conserved with a major amino acid change. (SP) 0602 - Variant is located in a hotspot region or cluster of pathogenic variants. This variant is located within a hotspot region in the Helicase C-terminal domain (PMID:31388190). (SP) 0705 - No comparable missense variants have previous evidence for pathogenicity. (I) 0807 - This variant has no previous evidence of pathogenicity. (I) 0905 - No published segregation evidence has been identified for this variant. (I) 1007 - No published functional evidence has been identified for this variant. (I) 1102 - Strong phenotype match for this individual. (SP) Legend: (SP) - Supporting pathogenic, (I) - Information, (SB) - Supporting benign

Provincial Medical Genetics Program of British Columbia, University of British Columbia
Classification: Likely pathogenic for Sifrim-Hitz-Weiss syndrome. Last evaluated: 2022-01-01. Review status: criteria provided, single submitter. Criteria: ACMG Guidelines, 2015. Collection method: clinical testing. Allele origin: de novo. Affected: yes.

Literature cited by the submitters: PubMed 31388190 (cited by Victorian Clinical Genetics Services, Murdoch Childrens Research Institute).

NM_001273.5(CHD4):c.3529C>T (p.Arg1177Cys)

Gene: CHD4 (chromodomain helicase DNA binding protein 4; minus strand). Cytogenetic location: 12p13.31.
Variant type: single nucleotide variant.
Coding change: c.3529C>T on transcript NM_001273.5 (MANE Select); coding-DNA position 3529, C replaced by T.
Protein change: p.Arg1177Cys; replaces arginine 1177 with cysteine.
Molecular consequence: missense variant.
Genome position (GRCh38, 1-based): chr12:6,587,886, G>A on the plus strand (C>T on the coding strand, the complement: CHD4 is on the minus strand). VCF-style: chr12-6587886-G-A. GRCh37 (hg19) VCF-style: chr12-6697052-G-A.
Other names: c.3529C>T (NM_001273.4); c.3508C>T, p.Arg1170Cys (NM_001297553.2); c.3490C>T, p.Arg1164Cys (NM_001363606.2); short protein forms R1164C, R1170C, R1177C.
Identifiers: ClinVar variation 1527960 (VCV001527960.4), dbSNP rs2136209186, ClinGen allele CA383582039.
Genomic context (GRCh38, chr12:6,587,886, plus strand): 5'-GATGCGTCAGCATCATTTTCTTCTTTGCCACCTGCGTGATGCGCTCCTCCACTGACGCAC[G>A]GGTCACAAACCGGTAGATCATTACCTTTTTATTTTGCCCAATCCGGTGAGCTCTGCTAAA-3'
Protein context (NP_001264.2, residues 1167-1187): KKVMIYRFVT[Arg1177Cys]ASVEERITQV